The following is an entry in ClinVar:

ClinVar aggregate classification (germline): Uncertain significance (1 of 4 stars; one submission).

Allele frequency attached by ClinVar (database versions not stated): gnomAD exomes below 0.00001.
gnomAD v4.1: 2 of 1,614,072 alleles (0.00012%); highest among the groups gnomAD compares: Middle Eastern, 0.016%; no homozygotes.

Submission:

CeGaT Center for Human Genetics Tuebingen
Classification: Uncertain significance. Last evaluated: 2024-04-01. Review status: criteria provided, single submitter. Criteria: CeGaT Center For Human Genetics Tuebingen Variant Classification Criteria Version 2. Collection method: clinical testing. Allele origin: germline. Affected: yes. Observed: 1 variant allele.
Comment: KMT2C: PM2

NM_170606.3(KMT2C):c.6488C>T (p.Pro2163Leu)

Gene: KMT2C (lysine methyltransferase 2C; minus strand). Cytogenetic location: 7q36.1.
Variant type: single nucleotide variant.
Coding change: c.6488C>T on transcript NM_170606.3 (MANE Select); coding-DNA position 6488, C replaced by T.
Protein change: p.Pro2163Leu; replaces proline 2163 with leucine.
Molecular consequence: missense variant.
Genome position (GRCh38, 1-based): chr7:152,181,372, G>A on the plus strand (C>T on the coding strand, the complement: KMT2C is on the minus strand). VCF-style: chr7-152181372-G-A. GRCh37 (hg19) VCF-style: chr7-151878457-G-A.
Other names: short protein forms P2163L.
Identifiers: ClinVar variation 3234447 (VCV003234447.20), dbSNP rs1245315646, ClinGen allele CA370093104.